The following is an entry in ClinVar:

ClinVar aggregate classification (germline): Pathogenic/Likely pathogenic. Review status: criteria provided, multiple submitters, no conflicts (2 of 4 stars). 3 submissions from 3 submitters: Pathogenic (1); Likely pathogenic (1). 1 of the submissions does not count toward it. Last evaluated 2023-08-17.

Conditions:
Isovaleryl-CoA dehydrogenase deficiency (IVA). Also called: Classic Isovaleric Acidemia; ISOVALERIC ACID CoA DEHYDROGENASE DEFICIENCY; Isovaleric acidemia; IVD DEFICIENCY. Identifiers: Orphanet 33, MedGen C0268575, MONDO:0009475, OMIM 243500.

gnomAD v4.1: 2 of 1,614,246 alleles (0.00012%); highest among the groups gnomAD compares: Admixed American, 0.0033%; no homozygotes.

Submissions (3):

Labcorp Genetics (formerly Invitae), Labcorp
Classification: Pathogenic for Isovaleryl-CoA dehydrogenase deficiency. Last evaluated: 2023-08-17. Review status: criteria provided, single submitter. Criteria: Invitae Variant Classification Sherloc (09022015). Collection method: clinical testing. Allele origin: germline.
Comment: This sequence change replaces arginine, which is basic and polar, with leucine, which is neutral and non-polar, at codon 335 of the IVD protein (p.Arg335Leu). For these reasons, this variant has been classified as Pathogenic. This variant disrupts the p.Arg335 amino acid residue in IVD. Other variant(s) that disrupt this residue have been observed in individuals with IVD-related conditions (Invitae), which suggests that this may be a clinically significant amino acid residue. An algorithm developed to predict the effect of missense changes on protein structure and function (PolyPhen-2) suggests that this variant is likely to be disruptive. ClinVar contains an entry for this variant (Variation ID: 863598). This missense change has been observed in individual(s) with isovaleric acidemia (Invitae). In at least one individual the data is consistent with being in trans (on the opposite chromosome) from a pathogenic variant. This variant is present in population databases (no rsID available, gnomAD 0.006%).

Kariminejad - Najmabadi Pathology & Genetics Center
Classification: Likely pathogenic for Isovaleryl-CoA dehydrogenase deficiency. Review status: criteria provided, single submitter. Criteria: ACMG Guidelines, 2015. Collection method: clinical testing. Allele origin: germline. Affected: no.

Natera, Inc.
Classification: Uncertain significance for Isovaleryl-coa dehydrogenase deficiency. Last evaluated: 2021-09-19. Review status: no assertion criteria provided. Collection method: clinical testing. Allele origin: germline. Not counted in ClinVar's aggregate classification.

NM_002225.5(IVD):c.995G>T (p.Arg332Leu)

Gene: IVD (isovaleryl-CoA dehydrogenase; plus strand). Cytogenetic location: 15q15.1.
Variant type: single nucleotide variant.
Coding change: c.995G>T on transcript NM_002225.5 (MANE Select); coding-DNA position 995, G replaced by T.
Protein change: p.Arg332Leu; replaces arginine 332 with leucine.
Molecular consequence: missense variant. On other transcripts: non-coding transcript variant (1).
Genome position (GRCh38, 1-based): chr15:40,416,112, G>T. VCF-style: chr15-40416112-G-T. GRCh37 (hg19) VCF-style: chr15-40708311-G-T.
Other names: c.905G>T, p.Arg302Leu (NM_001159508.3); c.947G>T, p.Arg316Leu (NM_001354597.3); c.995G>T, p.Arg332Leu (NM_001354598.3, NM_001354601.3); c.1082G>T, p.Arg361Leu (NM_001354599.3, NM_001354600.3); short protein forms R302L, R316L, R332L, R361L.
Identifiers: ClinVar variation 863598 (VCV000863598.14), dbSNP rs745464766, ClinGen allele CA391722895.